The following is an entry in ClinVar:

ClinVar aggregate classification (germline): Likely pathogenic (1 of 4 stars; one submission).

Conditions:
Mucopolysaccharidosis, MPS-II (MPS2). Also called: Mucopolysaccharidosis type 2; IDS deficiency; Sulfoiduronate sulfatase deficiency; SIDS deficiency; Attenuated MPS (subtype; formerly known as mild MPS II); Severe MPS II. Identifiers: Orphanet 580, Orphanet 79388, MedGen C0026705, MONDO:0010674, OMIM 309900.

Submission:

Myriad Genetics, Inc.
Classification: Likely pathogenic for Mucopolysaccharidosis, MPS-II. Last evaluated: 2022-02-25. Review status: criteria provided, single submitter. Criteria: Myriad Women's Health Autosomal Recessive and X-Linked Classification Criteria (2021). Collection method: clinical testing. Allele origin: unknown.
Comment: NM_000202.5(IDS):c.341delG(G114Efs*16) is expected to be pathogenic in the context of mucopolysaccharidosis type II. This variant is predicted to lead to an abnormal or absent protein product due to the creation of a premature termination codon in IDS, a gene where loss-of-function variants are known to be pathogenic. Please note: this variant was assessed in the context of healthy population screening.

NM_000202.8(IDS):c.341del (p.Gly114fs)

Gene: IDS (iduronate 2-sulfatase; minus strand). Cytogenetic location: Xq28.
Variant type: Deletion.
Coding change: c.341del on transcript NM_000202.8 (MANE Select); coding-DNA position 341, one base deleted (G; older notation c.341delG).
Protein change: p.Gly114fs; shifts the reading frame from glycine 114.
Molecular consequence: frameshift variant. On other transcripts: non-coding transcript variant (1).
Genome position (GRCh38, 1-based): chrX:149,503,389, C deleted on the plus strand (G on the coding strand, the reverse complement: IDS is on the minus strand); the first of 2 consecutive C bases (chrX:149,503,389-149,503,390); deleting either gives the same sequence. VCF-style (leftmost placement, unchanged base first): chrX-149503388-TC-T. GRCh37 (hg19) VCF-style: chrX-148584918-TC-T.
Other names: c.71del, p.Gly24fs (NM_001166550.4); c.341del, p.Gly114fs (NM_006123.5); short protein forms G114fs, G24fs.
Identifiers: ClinVar variation 1724695 (VCV001724695.2), dbSNP rs2520896006, ClinGen allele CA2580101646.